The following is an entry in ClinVar:

NM_002860.4(ALDH18A1):c.2201G>A (p.Gly734Glu)

Gene: ALDH18A1 (aldehyde dehydrogenase 18 family member A1; minus strand). Cytogenetic location: 10q24.1.
Variant type: single nucleotide variant.
Coding change: c.2201G>A on transcript NM_002860.4 (MANE Select); coding-DNA position 2201, G replaced by A.
Protein change: p.Gly734Glu; replaces glycine 734 with glutamic acid.
Molecular consequence: missense variant.
Genome position (GRCh38, 1-based): chr10:95,610,202, C>T on the plus strand (G>A on the coding strand, the complement: ALDH18A1 is on the minus strand). VCF-style: chr10-95610202-C-T. GRCh37 (hg19) VCF-style: chr10-97369959-C-T.
Other names: c.2195G>A, p.Gly732Glu (NM_001017423.2, NM_001323415.2); c.1868G>A, p.Gly623Glu (NM_001323412.2, NM_001323416.2); c.2201G>A, p.Gly734Glu (NM_001323413.2, NM_001323414.2); c.2096G>A, p.Gly699Glu (NM_001323417.2); c.1862G>A, p.Gly621Glu (NM_001323418.2); c.1565G>A, p.Gly522Glu (NM_001323419.2); short protein forms G734E, G522E, G623E, G732E, G621E, G699E.
Identifiers: ClinVar variation 1945664 (VCV001945664.5), dbSNP rs771584878, ClinGen allele CA5620117.

ClinVar aggregate classification (germline): Uncertain significance (1 of 4 stars; one submission).

Conditions:
Cutis laxa, autosomal dominant 3 (ADCL3). Identifiers: Orphanet 90348, MedGen C4225268, MONDO:0014706, OMIM 616603.
Autosomal dominant spastic paraplegia type 9. Identifiers: MedGen C1832669, MONDO:0015091.
de Barsy syndrome. Also called: Cutis laxa-corneal clouding-oligophrenia syndrome. Identifiers: Orphanet 2962, MedGen C0268354, MONDO:0017569.

Allele frequency attached by ClinVar (database versions not stated): gnomAD exomes below 0.00001; ExAC 0.00001.
gnomAD v4.1: 1 of 1,614,012 alleles (0.000062%); highest among the groups gnomAD compares: Admixed American, 0.0017%; no homozygotes.

Submission:

Labcorp Genetics (formerly Invitae), Labcorp
Classification: Uncertain significance for Autosomal dominant spastic paraplegia type 9; de Barsy syndrome; Cutis laxa, autosomal dominant 3. Last evaluated: 2025-02-23. Review status: criteria provided, single submitter. Criteria: Invitae Variant Classification Sherloc (09022015). Collection method: clinical testing. Allele origin: germline.
Comment: This sequence change replaces glycine, which is neutral and non-polar, with glutamic acid, which is acidic and polar, at codon 734 of the ALDH18A1 protein (p.Gly734Glu). This variant is present in population databases (rs771584878, gnomAD 0.003%). This variant has not been reported in the literature in individuals affected with ALDH18A1-related conditions. ClinVar contains an entry for this variant (Variation ID: 1945664). Invitae Evidence Modeling of protein sequence and biophysical properties (such as structural, functional, and spatial information, amino acid conservation, physicochemical variation, residue mobility, and thermodynamic stability) indicates that this missense variant is expected to disrupt ALDH18A1 protein function with a positive predictive value of 80%. In summary, the available evidence is currently insufficient to determine the role of this variant in disease. Therefore, it has been classified as a Variant of Uncertain Significance.